The following is an entry in ClinVar:

ClinVar aggregate classification (germline): Conflicting classifications of pathogenicity. Review status: criteria provided, conflicting classifications (1 of 4 stars). 4 submissions from 4 submitters: Uncertain significance (3); Likely benign (1). Last evaluated 2025-11-03.

Conditions:
Ataxia-telangiectasia-like disorder (ATLD). Identifiers: MedGen C1858391, MONDO:0011457.
Hereditary cancer-predisposing syndrome. Also called: Neoplastic Syndromes, Hereditary; Tumor predisposition; Hereditary Cancer Syndrome; Hereditary neoplastic syndrome. Identifiers: Orphanet 140162, MedGen C0027672, MeSH D009386, MONDO:0015356.
Ataxia-telangiectasia-like disorder 1 (ATLD1). Identifiers: Orphanet 251347, MedGen C4012790, MONDO:0024557, OMIM 604391.

Allele frequency attached by ClinVar (database versions not stated): gnomAD exomes below 0.00001; TOPMed below 0.00001.
gnomAD v4.1: 4 of 1,607,578 alleles (0.00025%); highest among the groups gnomAD compares: Non-Finnish European, 0.00034%; no homozygotes.

Submissions (4):

Athena Diagnostics
Classification: Uncertain significance. Last evaluated: 2025-11-03. Review status: criteria provided, single submitter. Criteria: Athena Diagnostics Criteria. Collection method: clinical testing. Allele origin: unknown.
Comment: Available data are insufficient to determine the clinical significance of the variant at this time. This variant has not been reported in large, multi-ethnic general populations. Computational tools yielded inconclusive predictions regarding the effect of this variant on RNA splicing.

Labcorp Genetics (formerly Invitae), Labcorp
Classification: Likely benign for Ataxia-telangiectasia-like disorder. Last evaluated: 2025-01-26. Review status: criteria provided, single submitter. Criteria: Invitae Variant Classification Sherloc (09022015). Collection method: clinical testing. Allele origin: germline.

Fulgent Genetics
Classification: Uncertain significance for Ataxia-telangiectasia-like disorder 1. Last evaluated: 2024-02-15. Review status: criteria provided, single submitter. Criteria: ACMG Guidelines, 2015. Collection method: clinical testing. Allele origin: germline.

Ambry Genetics
Classification: Uncertain significance for Hereditary cancer-predisposing syndrome. Last evaluated: 2023-04-19. Review status: criteria provided, single submitter. Criteria: Ambry Variant Classification Scheme 2023. Collection method: clinical testing. Allele origin: germline.
Comment: The c.660-5T>G intronic variant results from a T to G substitution 5 nucleotides upstream from coding exon 7 in the MRE11A gene. This nucleotide position is not well conserved in available vertebrate species. In silico splice site analysis predicts that this alteration may weaken the native splice acceptor site. Since supporting evidence is limited at this time, the clinical significance of this alteration remains unclear.

NM_005591.4(MRE11):c.660-5T>G

Gene: MRE11 (MRE11 double strand break repair nuclease; minus strand). Cytogenetic location: 11q21.
Variant type: single nucleotide variant.
Coding change: c.660-5T>G on transcript NM_005591.4 (MANE Select); 5 bases into the intron before coding-DNA position 660, T replaced by G.
Molecular consequence: intron variant.
Genome position (GRCh38, 1-based): chr11:94,471,764, A>C on the plus strand (T>G on the coding strand, the complement: MRE11 is on the minus strand). VCF-style: chr11-94471764-A-C. GRCh37 (hg19) VCF-style: chr11-94204930-A-C.
Other names: c.660-5T>G (NM_001330347.2, NM_005590.4).
Identifiers: ClinVar variation 141607 (VCV000141607.18), dbSNP rs587781873, ClinGen allele CA333216.
Genomic context (GRCh38, chr11:94,471,764, plus strand): 5'-CAATGAAGTCATCCAAAAATTGTTCTGGAATGAAGTTAGTACTTCCATGTTTACTCCTGT[A>C]TCAAGATTTTGAAAAATATAAATTCGGTGATTAGAAAAATTTCATATTATTGAAGTCTAT-3'